The following is an entry in ClinVar:

ClinVar aggregate classification (germline): Uncertain significance (1 of 4 stars; one submission).

Submission:

GeneDx
Classification: Uncertain significance. Last evaluated: 2023-03-26. Review status: criteria provided, single submitter. Criteria: GeneDx Variant Classification Process June 2021. Collection method: clinical testing. Allele origin: germline. Affected: yes.
Comment: Not observed at significant frequency in large population cohorts (gnomAD); In silico analysis supports that this missense variant has a deleterious effect on protein structure/function; Has not been previously published as pathogenic or benign to our knowledge

NM_007118.4(TRIO):c.5171G>T (p.Ser1724Ile)

Gene: TRIO (trio Rho guanine nucleotide exchange factor; plus strand). Cytogenetic location: 5p15.2.
Variant type: single nucleotide variant.
Coding change: c.5171G>T on transcript NM_007118.4 (MANE Select); coding-DNA position 5171, G replaced by T.
Protein change: p.Ser1724Ile; replaces serine 1724 with isoleucine.
Molecular consequence: missense variant. On other transcripts: non-coding transcript variant (1).
Genome position (GRCh38, 1-based): chr5:14,419,989, G>T. VCF-style: chr5-14419989-G-T. GRCh37 (hg19) VCF-style: chr5-14420098-G-T.
Other names: short protein forms S1724I.
Identifiers: ClinVar variation 2663060 (VCV002663060.1), dbSNP rs2533171309, ClinGen allele CA359208256.
Genomic context (GRCh38, chr5:14,419,989, plus strand): 5'-CCCCAGCGGCAGAAGGCCTGGTCCCCTGTGGTTCACTGTGCATCGCCCACTCCAGAAGTA[G>T]CATGGAAATGGAGGGCATCTTCAACCACAAAGGTAGGAATCAGTGGGGCATGGGTGGCAG-3'
Protein context (NP_009049.2, residues 1714-1734): GSLCIAHSRS[Ser1724Ile]MEMEGIFNHK